The following is an entry in ClinVar:

NM_144631.6(ZNF513):c.183G>C (p.Gln61His)

Gene: ZNF513 (zinc finger protein 513; minus strand). Cytogenetic location: 2p23.3.
Variant type: single nucleotide variant.
Coding change: c.183G>C on transcript NM_144631.6 (MANE Select); coding-DNA position 183, G replaced by C.
Protein change: p.Gln61His; replaces glutamine 61 with histidine.
Molecular consequence: missense variant. On other transcripts: 5 prime UTR variant (1).
Genome position (GRCh38, 1-based): chr2:27,380,121, C>G on the plus strand (G>C on the coding strand, the complement: ZNF513 is on the minus strand). VCF-style: chr2-27380121-C-G. GRCh37 (hg19) VCF-style: chr2-27602988-C-G.
Other names: c.-4G>C (NM_001201459.2); short protein forms Q61H.
Identifiers: ClinVar variation 4709451 (VCV004709451.1).

ClinVar aggregate classification (germline): Uncertain significance (1 of 4 stars; one submission).

gnomAD v4.1: 9 of 1,614,058 alleles (0.00056%); highest among the groups gnomAD compares: Non-Finnish European, 0.00076%; no homozygotes.

Submission:

Labcorp Genetics (formerly Invitae), Labcorp
Classification: Uncertain significance. Last evaluated: 2025-05-04. Review status: criteria provided, single submitter. Criteria: Invitae Variant Classification Sherloc (09022015). Collection method: clinical testing. Allele origin: germline.
Comment: This sequence change replaces glutamine, which is neutral and polar, with histidine, which is basic and polar, at codon 61 of the ZNF513 protein (p.Gln61His). This variant is present in population databases (no rsID available, gnomAD 0.007%). This variant has not been reported in the literature in individuals affected with ZNF513-related conditions. An algorithm developed to predict the effect of missense changes on protein structure and function (PolyPhen-2) suggests that this variant is likely to be tolerated. In summary, the available evidence is currently insufficient to determine the role of this variant in disease. Therefore, it has been classified as a Variant of Uncertain Significance.